The following is an entry in ClinVar:

ClinVar aggregate classification (germline): Conflicting classifications of pathogenicity. Review status: criteria provided, conflicting classifications (1 of 4 stars). 4 submissions from 4 submitters: Uncertain significance (3); Likely benign (1). Last evaluated 2026-06-19.

Conditions:
TTN-related disorder. Also called: TTN-related condition; TTN-related disease; TTN-related disorders.

gnomAD v4.1: 35 of 1,610,630 alleles (0.0022%); highest among the groups gnomAD compares: African/African-American, 0.033%; no homozygotes.

Submissions (4):

PreventionGenetics, part of Exact Sciences
Classification: Uncertain significance for TTN-related condition. Last evaluated: 2026-06-19. Review status: criteria provided, single submitter. Criteria: ACMG Guidelines, 2015. Collection method: clinical testing. Allele origin: germline.
Comment: The TTN c.23147G>A variant is predicted to result in the amino acid substitution p.Gly7716Asp. To our knowledge, this variant has not been reported in the literature. This variant is reported in 0.012% of alleles in individuals of African descent in gnomAD. At this time, the clinical significance of this variant is uncertain due to the absence of conclusive functional and genetic evidence.

Molecular Diagnostic Laboratory for Inherited Cardiovascular Disease, Montreal Heart Institute
Classification: Likely benign. Last evaluated: 2026-03-27. Review status: criteria provided, single submitter. Criteria: ACMG Guidelines, 2015. Collection method: clinical testing. Allele origin: germline. Affected: no.

ARUP Laboratories, Molecular Genetics and Genomics, ARUP Laboratories
Classification: Uncertain significance. Last evaluated: 2023-10-10. Review status: criteria provided, single submitter. Criteria: ARUP Molecular Germline Variant Investigation Process 2024. Collection method: clinical testing. Allele origin: germline.
Comment: The TTN c.23147G>A; p.Gly7716Asp variant (rs751284978; ClinVar Variation ID: 2437558) is rare in the general population (<0.2% allele frequency in the Genome Aggregation Database) and has not been reported in the medical literature in association with dilated cardiomyopathy (DCM) or other TTN-related disease. The clinical relevance of rare missense variants in this gene, which are identified on average once per individual sequenced in affected populations (Herman 2012), is not well understood. Yet, evidence suggests that the vast majority of such missense variants do not contribute to the clinical outcome of DCM (Begay 2015). Thus, the clinical significance of the p.Gly7716Asp variant cannot be determined with certainty.

Revvity Omics, Revvity
Classification: Uncertain significance. Last evaluated: 2019-04-26. Review status: criteria provided, single submitter. Criteria: ACMG Guidelines, 2015. Collection method: clinical testing. Allele origin: germline.

NM_001267550.2(TTN):c.23147G>A (p.Gly7716Asp)

Gene: TTN (titin; minus strand). Cytogenetic location: 2q31.2.
Variant type: single nucleotide variant.
Coding change: c.23147G>A on transcript NM_001267550.2 (MANE Select); coding-DNA position 23147, G replaced by A.
Protein change: p.Gly7716Asp; replaces glycine 7716 with aspartic acid.
Molecular consequence: missense variant. On other transcripts: intron variant (3).
Genome position (GRCh38, 1-based): chr2:178,720,615, C>T on the plus strand (G>A on the coding strand, the complement: TTN is on the minus strand). VCF-style: chr2-178720615-C-T. GRCh37 (hg19) VCF-style: chr2-179585342-C-T.
Other names: c.22196G>A, p.Gly7399Asp (NM_001256850.1); c.19415G>A, p.Gly6472Asp (NM_133378.4); c.13282+17467G>A (NM_003319.4); c.13858+17467G>A (NM_133437.4); c.13657+17467G>A (NM_133432.3); short protein forms G6472D, G7399D, G7716D.
Identifiers: ClinVar variation 2437558 (VCV002437558.7), dbSNP rs751284978, ClinGen allele CA2000692.